The following is an entry in ClinVar:

ClinVar aggregate classification (germline): Uncertain significance (1 of 4 stars; one submission).

Submission:

GeneDx
Classification: Uncertain significance. Last evaluated: 2014-05-07. Review status: criteria provided, single submitter. Criteria: GeneDx Variant Classification (06012015). Collection method: clinical testing. Allele origin: germline. Affected: yes.
Comment: Missense variants in the TTN gene are considered 'unclassified' if they are not previously reported in the literature and do not have >1% frequency in the population to be considered a polymorphism. Research indicates that truncating mutations in the TTN gene are expected to account for approximately 25% of familial and 18% of sporadic idiopathic DCM; however, truncating variants in the TTN gene have been reported in approximately 3% of reported control alleles. There has been little investigation into non-truncating variants. (Herman D et al. Truncations of titin causing dilated cardiomyopathy. N Eng J Med 366:619-628, 2012) The variant is found in CARDIOMYOPATHY panel(s).

NM_001267550.2(TTN):c.33856G>C (p.Glu11286Gln)

Gene: TTN (titin; minus strand). Cytogenetic location: 2q31.2.
Variant type: single nucleotide variant.
Coding change: c.33856G>C on transcript NM_001267550.2 (MANE Select); coding-DNA position 33856, G replaced by C.
Protein change: p.Glu11286Gln; replaces glutamic acid 11286 with glutamine.
Molecular consequence: missense variant. On other transcripts: intron variant (3).
Genome position (GRCh38, 1-based): chr2:178,678,468, C>G on the plus strand (G>C on the coding strand, the complement: TTN is on the minus strand). VCF-style: chr2-178678468-C-G. GRCh37 (hg19) VCF-style: chr2-179543195-C-G.
Other names: p.E10969Q:GAG>CAG; c.32905G>C, p.Glu10969Gln (NM_001256850.1); c.30124G>C, p.Glu10042Gln (NM_133378.4); c.13283-36151G>C (NM_003319.4); c.13859-36151G>C (NM_133437.4); c.13658-36151G>C (NM_133432.3); short protein forms E10969Q, E11286Q, E10042Q.
Identifiers: ClinVar variation 202584 (VCV000202584.2), dbSNP rs376874956, ClinGen allele CA309668.